The following is an entry in ClinVar:

ClinVar aggregate classification (germline): Likely pathogenic (1 of 4 stars; one submission).

Conditions:
Familial adenomatous polyposis 1 (FAP1). Also called: FAMILIAL ADENOMATOUS POLYPOSIS 1, ATTENUATED; POLYPOSIS, ADENOMATOUS INTESTINAL. Identifiers: MedGen C2713442, MONDO:0021056, OMIM 175100. Disease mechanism: loss of function.

Submission:

Human Genetics Bochum, Ruhr University Bochum
Classification: Likely pathogenic for Familial adenomatous polyposis 1. Last evaluated: 2023-10-31. Review status: criteria provided, single submitter. Criteria: ACMG Guidelines, 2015. Collection method: clinical testing. Allele origin: germline. Affected: yes.
Comment: ACMG criteria used to clasify this variant: PVS1, PM2_SUP

NM_000038.6(APC):c.2614del (p.Thr872fs)

Gene: APC (APC regulator of Wnt signaling pathway; plus strand). Cytogenetic location: 5q22.2.
Variant type: Deletion.
Coding change: c.2614del on transcript NM_000038.6 (MANE Select); coding-DNA position 2614, one base deleted (A; older notation c.2614delA).
Protein change: p.Thr872fs; shifts the reading frame from threonine 872.
Molecular consequence: frameshift variant. On other transcripts: non-coding transcript variant (2).
Genome position (GRCh38, 1-based): chr5:112,838,208, A deleted; the last of 2 consecutive A bases (chr5:112,838,207-112,838,208); deleting either gives the same sequence. VCF-style (leftmost placement, unchanged base first): chr5-112838206-GA-G. GRCh37 (hg19) VCF-style: chr5-112173903-GA-G.
Other names: c.2614del, p.Thr872fs (NM_001127510.3, NM_001354895.2, NM_001407450.1); c.2560del, p.Thr854fs (NM_001127511.3); c.2668del, p.Thr890fs (NM_001354896.2, NM_001407447.1, NM_001407448.1 and 1 more transcripts); c.2644del, p.Thr882fs (NM_001354897.2); c.2539del, p.Thr847fs (NM_001354898.2); c.2530del, p.Thr844fs (NM_001354899.2); c.2491del, p.Thr831fs (NM_001354900.2); c.2437del, p.Thr813fs (NM_001354901.2, NM_001407453.1); and 11 more; short protein forms T488fs, T589fs, T712fs, T743fs, T746fs, T771fs, T781fs, T789fs.
Identifiers: ClinVar variation 3027456 (VCV003027456.1), dbSNP rs2533436382, ClinGen allele CA645562851.